The following is an entry in ClinVar:

ClinVar aggregate classification (germline): Uncertain significance (1 of 4 stars; one submission).

Conditions:
Inborn genetic diseases. Identifiers: MedGen C0950123, MeSH D030342.

Submission:

Ambry Genetics
Classification: Uncertain significance for Inborn genetic diseases. Last evaluated: 2024-11-11. Review status: criteria provided, single submitter. Criteria: Ambry Variant Classification Scheme 2023. Collection method: clinical testing. Allele origin: germline.
Comment: The p.Q715H variant (also known as c.2145G>T), located in coding exon 22 of the ERCC2 gene, results from a G to T substitution at nucleotide position 2145. The glutamine at codon 715 is replaced by histidine, an amino acid with highly similar properties. This amino acid position is conserved. In addition, this alteration is predicted to be tolerated by in silico analysis. Since supporting evidence is limited at this time, the clinical significance of this alteration remains unclear.

NM_000400.4(ERCC2):c.2145G>T (p.Gln715His)

Gene: ERCC2 (ERCC excision repair 2, TFIIH core complex helicase subunit; minus strand). Cytogenetic location: 19q13.32.
Variant type: single nucleotide variant.
Coding change: c.2145G>T on transcript NM_000400.4 (MANE Select); coding-DNA position 2145, G replaced by T.
Protein change: p.Gln715His; replaces glutamine 715 with histidine.
Molecular consequence: missense variant.
Genome position (GRCh38, 1-based): chr19:45,352,254, C>A on the plus strand (G>T on the coding strand, the complement: ERCC2 is on the minus strand). VCF-style: chr19-45352254-C-A. GRCh37 (hg19) VCF-style: chr19-45855512-C-A.
Other names: short protein forms Q715H.
Identifiers: ClinVar variation 1786646 (VCV001786646.3), dbSNP rs1971829668, ClinGen allele CA406362052.